The following is an entry in ClinVar:

NM_031844.3(HNRNPU):c.669_691del (p.Arg224fs)

Gene: HNRNPU (heterogeneous nuclear ribonucleoprotein U; minus strand). Cytogenetic location: 1q44.
Variant type: Deletion.
Coding change: c.669_691del on transcript NM_031844.3 (MANE Select); coding-DNA positions 669 to 691, 23 bases deleted (TCGCCCCGGGGCTCCGGCGGCGG).
Protein change: p.Arg224fs; shifts the reading frame from arginine 224.
Molecular consequence: frameshift variant. On other transcripts: intron variant (1).
Genome position (GRCh38, 1-based): chr1:244,863,617-244,863,639, CCGCCGCCGGAGCCCCGGGGCGA deleted on the plus strand (TCGCCCCGGGGCTCCGGCGGCGG on the coding strand, the reverse complement: HNRNPU is on the minus strand); deleting any 23 consecutive bases within chr1:244,863,617-244,863,647 gives the same sequence; the c. name uses the placement nearest the transcript's 3' end. VCF-style (leftmost placement, unchanged base first): chr1-244863616-CCCGCCGCCGGAGCCCCGGGGCGA-C. GRCh37 (hg19) VCF-style: chr1-245026918-CCCGCCGCCGGAGCCCCGGGGCGA-C.
Other names: c.634+35_634+57del (NM_004501.3); c.669_691del23 (NM_031844.2); c.669_691del (NM_031844.2); short protein forms R224fs.
Identifiers: ClinVar variation 1342608 (VCV001342608.9), dbSNP rs754216321, ClinGen allele CA1486749.

ClinVar aggregate classification (germline): Conflicting classifications of pathogenicity. Review status: criteria provided, conflicting classifications (1 of 4 stars). 6 submissions from 6 submitters: Pathogenic (1); Likely pathogenic (3); Uncertain significance (2). Last evaluated 2026-07-24.

Conditions:
HNRNPU-related disorders.
Developmental and epileptic encephalopathy, 54. Also called: Epileptic encephalopathy, early infantile, 54; HNRNPU-Related Neurodevelopmental Disorder. Identifiers: MedGen C4479319, MONDO:0033363, OMIM 617391.
HNRNPU-related disorder. Also called: HNRNPU-related condition.

Submissions (6):

PreventionGenetics, part of Exact Sciences
Classification: Likely pathogenic for HNRNPU-related condition. Last evaluated: 2026-07-24. Review status: criteria provided, single submitter. Criteria: ACMG Guidelines, 2015. Collection method: clinical testing. Allele origin: germline.
Comment: The HNRNPU c.669_691del23 variant is predicted to result in a frameshift and premature protein termination (p.Arg224Glyfs*11). To our knowledge, this variant has not been reported in the literature. This variant is reported in 0.0067% of alleles in individuals of African descent in gnomAD. Frameshift variants in HNRNPU are expected to be pathogenic. This variant is interpreted as likely pathogenic.

GeneDx
Classification: Uncertain significance. Last evaluated: 2026-06-04. Review status: criteria provided, single submitter. Criteria: GeneDx Variant Classification Process June 2021. Collection method: clinical testing. Allele origin: germline.
Comment: Frameshift variant predicted to result in protein truncation or nonsense mediated decay in a gene or region of a gene for which loss of function is not a well-established mechanism of disease; Has not been previously published as pathogenic or benign to our knowledge

Labcorp Genetics (formerly Invitae), Labcorp
Classification: Pathogenic for Developmental and epileptic encephalopathy, 54. Last evaluated: 2025-07-21. Review status: criteria provided, single submitter. Criteria: Invitae Variant Classification Sherloc (09022015). Collection method: clinical testing. Allele origin: germline.
Comment: This sequence change creates a premature translational stop signal (p.Arg224Glyfs*11) in the HNRNPU gene. It is expected to result in an absent or disrupted protein product. Loss-of-function variants in HNRNPU are known to be pathogenic (PMID: 22678713, 28283832). This variant is present in population databases (rs754216321, gnomAD 0.007%). This variant has not been reported in the literature in individuals affected with HNRNPU-related conditions. ClinVar contains an entry for this variant (Variation ID: 1342608). For these reasons, this variant has been classified as Pathogenic.

New York Genome Center
Classification: Uncertain significance for Developmental and epileptic encephalopathy, 54. Last evaluated: 2021-05-28. Review status: criteria provided, single submitter. Criteria: NYGC Assertion Criteria 2020. Collection method: clinical testing. Allele origin: inherited. Observed: 1 heterozygote. Study: CSER-NYCKidSeq.
Comment: The inherited heterozygous 23-nucleotide deletion identified in the HNRNPU gene has not been reported in affected individuals in theliterature. The RefSeq database contains two protein-coding transcripts for HNRNPU; Transcript 1 encodes an 825 amino acid protein whereas transcript 2 encodesan 806 amino acid protein. Both protein isoforms are identical in sequence except that the longer isoform contains an extra 19 in-frame amino acids encoded by theextended exon 1. This 23-nucleotide deletion is located in the extend part of the exon 1 which is unique to transcript 1 (longer transcript), alters it’s wild-type translational reading frame and is predicted to cause loss of normal protein function either through protein truncation or nonsense-mediated mRNA decay [c.669_691del (p.Arg224GlyfsTer11)]. However, this 23-nucleotide deletion is intronic for the transcript 2 (smaller transcript) and, therefore, is not expected to alter its wild-type translational reading frame. The variant has 0.00001979 allele frequency in the gnomAD(v3) database (3 out of 151624 heterozygousalleles, no homozygotes) suggesting it is not a common benign variant in the populations represented in that database. Due to the lack of compelling evidence for its pathogenicity, the inherited heterozygous 23-nucleotide deletion identified in the HNRNPU gene is reported as a variant of uncertain significance.

Blueprint Genetics
Classification: Likely pathogenic for HNRNPU-related disorders. Last evaluated: 2020-10-30. Review status: criteria provided, single submitter. Criteria: ACMG Guidelines, 2015. Collection method: clinical testing. Allele origin: germline. Affected: yes. Observed: 1 variant allele.

Neuberg Centre For Genomic Medicine, NCGM
Classification: Likely pathogenic for Developmental and epileptic encephalopathy, 54. Review status: criteria provided, single submitter. Criteria: ACMG Guidelines, 2015. Collection method: clinical testing. Allele origin: germline. Inheritance: Autosomal dominant inheritance. Affected: yes.
Comment: The frameshift deletion p.R224Gfs*11 in HNRNPU (NM_031844.3) has not been reported previously as a pathogenic variant nor as a benign variant, to our knowledge. is novel (not in any individuals) in gnomAD Exomes.The p.R224Gfs*11 variant is novel (not in any individuals) in 1000 Genomes. This variant is predicted to cause loss of normal protein function through protein truncation. Loss of function variants have been previously reported to be disease causing. For these reasons, this variant has been classified as Likely Pathogenic.

Literature cited by the submitters: PubMed 22678713 (cited by Labcorp Genetics (formerly Invitae), Labcorp); PubMed 28283832 (cited by Labcorp Genetics (formerly Invitae), Labcorp).